The following is an entry in ClinVar:

ClinVar aggregate classification (germline): Uncertain significance. Review status: criteria provided, multiple submitters, no conflicts (2 of 4 stars). 3 submissions from 3 submitters: Uncertain significance (3). Last evaluated 2025-12-29.

Conditions:
Bethlem myopathy 1A. Also called: Bethlem Muscular Dystrophy; MYOPATHY, BENIGN CONGENITAL, WITH CONTRACTURES; Bethlem myopathy 1. Identifiers: Orphanet 610, MedGen CN029274, MONDO:0024530, OMIM 158810.

Allele frequency attached by ClinVar (database versions not stated): gnomAD 0.00001; TOPMed 0.00002; ESP Exome Variant Server 0.00008.
gnomAD v4.1: 4 of 1,607,234 alleles (0.00025%); highest among the groups gnomAD compares: Non-Finnish European, 0.00034%; no homozygotes.

Submissions (3):

Labcorp Genetics (formerly Invitae), Labcorp
Classification: Uncertain significance for Bethlem myopathy 1A. Last evaluated: 2025-12-29. Review status: criteria provided, single submitter. Criteria: Invitae Variant Classification Sherloc (09022015). Collection method: clinical testing. Allele origin: germline.
Comment: This sequence change replaces glycine, which is neutral and non-polar, with serine, which is neutral and polar, at codon 977 of the COL6A2 protein (p.Gly977Ser). This variant is not present in population databases (gnomAD no frequency). This missense change has been observed in individual(s) with clinical features of limb girdle muscular dystrophy (PMID: 30564623). ClinVar contains an entry for this variant (Variation ID: 289684). Invitae Evidence Modeling of protein sequence and biophysical properties (such as structural, functional, and spatial information, amino acid conservation, physicochemical variation, residue mobility, and thermodynamic stability) indicates that this missense variant is expected to disrupt COL6A2 protein function with a positive predictive value of 80%. In summary, the available evidence is currently insufficient to determine the role of this variant in disease. Therefore, it has been classified as a Variant of Uncertain Significance.

Revvity Omics, Revvity
Classification: Uncertain significance. Last evaluated: 2021-04-21. Review status: criteria provided, single submitter. Criteria: ACMG Guidelines, 2015. Collection method: clinical testing. Allele origin: germline.

Eurofins Ntd Llc (ga)
Classification: Uncertain significance. Last evaluated: 2018-03-08. Review status: criteria provided, single submitter. Criteria: EGL ClinVar v180209 classification definitions. Collection method: clinical testing. Allele origin: germline. Observed: 2 variant alleles, 2 heterozygotes.

Literature cited by the submitters: PubMed 30564623 (cited by Labcorp Genetics (formerly Invitae), Labcorp).

NM_001849.4(COL6A2):c.2929G>A (p.Gly977Ser)

Gene: COL6A2 (collagen type VI alpha 2 chain; plus strand). Cytogenetic location: 21q22.3.
Variant type: single nucleotide variant.
Coding change: c.2929G>A on transcript NM_001849.4 (MANE Select); coding-DNA position 2929, G replaced by A.
Protein change: p.Gly977Ser; replaces glycine 977 with serine.
Molecular consequence: missense variant.
Genome position (GRCh38, 1-based): chr21:46,132,421, G>A. VCF-style: chr21-46132421-G-A. GRCh37 (hg19) VCF-style: chr21-47552335-G-A.
Other names: short protein forms G977S.
Identifiers: ClinVar variation 289684 (VCV000289684.17), dbSNP rs370593484, ClinGen allele CA10606518.